The following is an entry in ClinVar:

NM_000214.3(JAG1):c.1117A>G (p.Thr373Ala)

Gene: JAG1 (jagged canonical Notch ligand 1; minus strand). Cytogenetic location: 20p12.2.
Variant type: single nucleotide variant.
Coding change: c.1117A>G on transcript NM_000214.3 (MANE Select); coding-DNA position 1117, A replaced by G.
Protein change: p.Thr373Ala; replaces threonine 373 with alanine.
Molecular consequence: missense variant.
Genome position (GRCh38, 1-based): chr20:10,651,584, T>C on the plus strand (A>G on the coding strand, the complement: JAG1 is on the minus strand). VCF-style: chr20-10651584-T-C. GRCh37 (hg19) VCF-style: chr20-10632232-T-C.
Other names: c.1117A>G, p.Thr373Ala (LRG_1191t1); short protein forms T373A.
Identifiers: ClinVar variation 515262 (VCV000515262.9), dbSNP rs1212026437, ClinGen allele CA408238638.
Genomic context (GRCh38, chr20:10,651,584, plus strand): 5'-CGTGGTATCTTGGCACAAGGATCCTTAGAATGGACACAGGCTGAAAATTGGACTTACTTG[T>C]AGAGCATGTGGGGCCGGTCCAGCCTGGGGAACACTCACACTCAAAGCCCAGGGAGGTCTC-3'
Protein context (NP_000205.1, residues 363-383): SPGWTGPTCS[Thr373Ala]NIDDCSPNNC

ClinVar aggregate classification (germline): Conflicting classifications of pathogenicity. Review status: criteria provided, conflicting classifications (1 of 4 stars). 4 submissions from 4 submitters: Uncertain significance (2); Likely benign (2). Last evaluated 2026-01-12.

Conditions:
JAG1-related disorder. Also called: JAG1-related condition; JAG1-related disorders.
Cardiovascular phenotype. Identifiers: MedGen CN230736.
Alagille syndrome due to a JAG1 point mutation. Also called: HEPATIC DUCTULAR HYPOPLASIA, SYNDROMATIC; Alagille Syndrome 1; JAG1-Related Alagille Syndrome. Identifiers: Orphanet 261619, Orphanet 52, MedGen C1956125, MONDO:0016862, OMIM 118450.

Allele frequency attached by ClinVar (database versions not stated): gnomAD exomes 0.00001.
gnomAD v4.1: 12 of 1,607,094 alleles (0.00075%); highest among the groups gnomAD compares: Admixed American, 0.0017%; no homozygotes.

Submissions (4):

PreventionGenetics, part of Exact Sciences
Classification: Uncertain significance for JAG1-related condition. Last evaluated: 2026-01-12. Review status: criteria provided, single submitter. Criteria: ACMG Guidelines, 2015. Collection method: clinical testing. Allele origin: germline.
Comment: The JAG1 c.1117A>G variant is predicted to result in the amino acid substitution p.Thr373Ala. To our knowledge, this variant has not been reported in the literature. This variant is reported in 0.0029% of alleles in individuals of Latino descent in gnomAD. At this time, the clinical significance of this variant is uncertain due to the absence of conclusive functional and genetic evidence.

Labcorp Genetics (formerly Invitae), Labcorp
Classification: Likely benign for Alagille syndrome due to a JAG1 point mutation. Last evaluated: 2023-08-17. Review status: criteria provided, single submitter. Criteria: Invitae Variant Classification Sherloc (09022015). Collection method: clinical testing. Allele origin: germline.

Ambry Genetics
Classification: Uncertain significance for Cardiovascular phenotype. Last evaluated: 2023-07-21. Review status: criteria provided, single submitter. Criteria: Ambry Variant Classification Scheme 2023. Collection method: clinical testing. Allele origin: germline.
Comment: The p.T373A variant (also known as c.1117A>G), located in coding exon 8 of the JAG1 gene, results from an A to G substitution at nucleotide position 1117. The threonine at codon 373 is replaced by alanine, an amino acid with similar properties. This amino acid position is conserved. In addition, this alteration is predicted to be tolerated by in silico analysis. Since supporting evidence is limited at this time, the clinical significance of this alteration remains unclear.

GeneDx
Classification: Likely benign. Last evaluated: 2018-02-28. Review status: criteria provided, single submitter. Criteria: GeneDx Variant Classification (06012015). Collection method: clinical testing. Allele origin: germline. Affected: yes.
Comment: This variant is considered likely benign or benign based on one or more of the following criteria: it is a conservative change, it occurs at a poorly conserved position in the protein, it is predicted to be benign by multiple in silico algorithms, and/or has population frequency not consistent with disease.